The following is an entry in ClinVar:

NM_001127222.2(CACNA1A):c.6679C>T (p.Arg2227Cys)

Gene: CACNA1A (calcium voltage-gated channel subunit alpha1 A; minus strand). Cytogenetic location: 19p13.13.
Variant type: single nucleotide variant.
Coding change: c.6679C>T on transcript NM_001127222.2 (MANE Select); coding-DNA position 6679, C replaced by T.
Protein change: p.Arg2227Cys; replaces arginine 2227 with cysteine.
Molecular consequence: missense variant.
Genome position (GRCh38, 1-based): chr19:13,208,857, G>A on the plus strand (C>T on the coding strand, the complement: CACNA1A is on the minus strand). VCF-style: chr19-13208857-G-A. GRCh37 (hg19) VCF-style: chr19-13319671-G-A.
Other names: c.6697C>T, p.Arg2233Cys (NM_000068.4, NM_023035.3); c.6682C>T, p.Arg2228Cys (NM_001127221.2); c.6688C>T, p.Arg2230Cys (NM_001174080.2); short protein forms R2228C, R2227C, R2230C, R2233C.
Identifiers: ClinVar variation 424549 (VCV000424549.36), dbSNP rs757715357, ClinGen allele CA9239291.

ClinVar aggregate classification (germline): Conflicting classifications of pathogenicity. Review status: criteria provided, conflicting classifications (1 of 4 stars). 3 submissions from 3 submitters: Uncertain significance (2); Likely benign (1). Last evaluated 2026-09-01.

Conditions:
Developmental and epileptic encephalopathy, 42 (DEE42A). Also called: Epileptic encephalopathy, early infantile, 42; DEVELOPMENTAL AND EPILEPTIC ENCEPHALOPATHY 42A; EPILEPTIC ENCEPHALOPATHY, EARLY INFANTILE, 42A. Identifiers: MedGen C4310716, MONDO:0014917, OMIM 617106.
Episodic ataxia type 2 (EA2). Also called: ACETAZOLAMIDE-RESPONSIVE HEREDITARY PAROXYSMAL CEREBELLAR ATAXIA; ATAXIA, EPISODIC, WITH NYSTAGMUS; ATAXIA, FAMILIAL PAROXYSMAL; CEREBELLAR ATAXIA, PAROXYSMAL, ACETAZOLAMIDE-RESPONSIVE; CEREBELLOPATHY, HEREDITARY PAROXYSMAL; EPISODIC ATAXIA, NYSTAGMUS-ASSOCIATED. Identifiers: Orphanet 97, MedGen C1720416, MONDO:0007163, OMIM 108500.

Allele frequency attached by ClinVar (database versions not stated): gnomAD 0.00001 and 0.00002; TOPMed 0.00001; gnomAD exomes 0.00007; ExAC 0.00023.
gnomAD v4.1: 46 of 1,536,508 alleles (0.003%); highest among the groups gnomAD compares: South Asian, 0.042%; no homozygotes.

Submissions (3):

CeGaT Center for Human Genetics Tuebingen
Classification: Uncertain significance. Last evaluated: 2026-09-01. Review status: criteria provided, single submitter. Criteria: CeGaT Center For Human Genetics Tuebingen Variant Classification Criteria Version 2. Collection method: clinical testing. Allele origin: germline. Affected: yes. Observed: 2 variant alleles.
Comment: CACNA1A: PP3

Labcorp Genetics (formerly Invitae), Labcorp
Classification: Likely benign for Developmental and epileptic encephalopathy, 42; Episodic ataxia type 2. Last evaluated: 2024-10-22. Review status: criteria provided, single submitter. Criteria: Invitae Variant Classification Sherloc (09022015). Collection method: clinical testing. Allele origin: germline.

GeneDx
Classification: Uncertain significance. Last evaluated: 2017-03-24. Review status: criteria provided, single submitter. Criteria: GeneDx Variant Classification (06012015). Collection method: clinical testing. Allele origin: germline. Affected: yes.
Comment: The R2228C variant in the CACNA1A gene has not been reported previously as a pathogenic variant, nor as a benign variant, to our knowledge. This variant is observed in 2/7476 (0.03%) alleles from individuals of South Asian background in the ExAC dataset (Lek et al., 2016).] The R2228C variant is a non-conservative amino acid substitution, which is likely to impact secondary protein structure as these residues differ in polarity, charge, size and/or other properties. This substitution occurs at a position where amino acids with similar properties to Arginine are tolerated across species. In silico analysis predicts this variant is probably damaging to the protein structure/function. We interpret R2228C as a variant of uncertain significance.